The following is an entry in ClinVar:

ClinVar aggregate classification (germline): Benign/Likely benign. Review status: criteria provided, multiple submitters, no conflicts (2 of 4 stars). 3 submissions from 3 submitters: Benign (1); Likely benign (2). Last evaluated 2025-08-26.

Conditions:
Familial cancer of breast. Also called: hereditary breast carcinoma; Hereditary breast cancer; BREAST CANCER, FAMILIAL. Identifiers: Orphanet 227535, MedGen C0346153, MONDO:0016419, OMIM 114480. Disease mechanism: loss of function.
Hereditary cancer-predisposing syndrome. Also called: Tumor predisposition; Hereditary neoplastic syndrome; Neoplastic Syndromes, Hereditary; Hereditary Cancer Syndrome. Identifiers: Orphanet 140162, MedGen C0027672, MeSH D009386, MONDO:0015356.

Submissions (3):

Labcorp Genetics (formerly Invitae), Labcorp
Classification: Likely benign for Familial cancer of breast. Last evaluated: 2025-08-26. Review status: criteria provided, single submitter. Criteria: Invitae Variant Classification Sherloc (09022015). Collection method: clinical testing. Allele origin: germline.

Myriad Genetics, Inc.
Classification: Benign for Familial cancer of breast. Last evaluated: 2024-07-25. Review status: criteria provided, single submitter. Criteria: Myriad Autosomal Dominant, Autosomal Recessive and X-Linked Classification Criteria (2023). Collection method: clinical testing. Allele origin: unknown.
Comment: This variant is considered benign. This variant is a silent/synonymous amino acid change and it is not expected to impact splicing.

Ambry Genetics
Classification: Likely benign for Hereditary cancer-predisposing syndrome. Last evaluated: 2019-10-24. Review status: criteria provided, single submitter. Criteria: Ambry Variant Classification Scheme 2023. Collection method: clinical testing. Allele origin: germline.

NM_000465.4(BARD1):c.1413T>C (p.His471=)

Gene: BARD1 (BRCA1 associated RING domain 1; minus strand). Cytogenetic location: 2q35.
Variant type: single nucleotide variant.
Coding change: c.1413T>C on transcript NM_000465.4 (MANE Select); coding-DNA position 1413, T replaced by C.
Protein change: p.His471=; no amino-acid change (histidine 471 retained).
Molecular consequence: synonymous variant. On other transcripts: non-coding transcript variant (3), intron variant (3).
Genome position (GRCh38, 1-based): chr2:214,767,637, A>G on the plus strand (T>C on the coding strand, the complement: BARD1 is on the minus strand). VCF-style: chr2-214767637-A-G. GRCh37 (hg19) VCF-style: chr2-215632361-A-G.
Other names: c.1356T>C, p.His452= (NM_001282543.2); c.159-15082T>C (NM_001282548.2); c.216-15082T>C (NM_001282545.2); c.364+24660T>C (NM_001282549.2).
Identifiers: ClinVar variation 819153 (VCV000819153.15), dbSNP rs1574789071, ClinGen allele CA431129869.